The following is an entry in ClinVar:

ClinVar aggregate classification (germline): Uncertain significance (1 of 4 stars; one submission).

Conditions:
Pontocerebellar hypoplasia type 1A (PCH1A). Also called: PONTOCEREBELLAR HYPOPLASIA WITH ANTERIOR HORN CELL DISEASE; PONTOCEREBELLAR HYPOPLASIA WITH INFANTILE SPINAL MUSCULAR ATROPHY. Identifiers: Orphanet 2254, Orphanet 88616, MedGen C1843504, MONDO:0011866, OMIM 607596.

Allele frequency attached by ClinVar (database versions not stated): gnomAD exomes below 0.00001.

Submission:

Labcorp Genetics (formerly Invitae), Labcorp
Classification: Uncertain significance for Pontocerebellar hypoplasia type 1A. Last evaluated: 2022-06-27. Review status: criteria provided, single submitter. Criteria: Invitae Variant Classification Sherloc (09022015). Collection method: clinical testing. Allele origin: germline.
Comment: In summary, the available evidence is currently insufficient to determine the role of this variant in disease. Therefore, it has been classified as a Variant of Uncertain Significance. Algorithms developed to predict the effect of missense changes on protein structure and function (SIFT, PolyPhen-2, Align-GVGD) all suggest that this variant is likely to be tolerated. ClinVar contains an entry for this variant (Variation ID: 999205). This variant has not been reported in the literature in individuals affected with VRK1-related conditions. This variant is present in population databases (no rsID available, gnomAD 0.004%). This sequence change replaces lysine, which is basic and polar, with glutamic acid, which is acidic and polar, at codon 334 of the VRK1 protein (p.Lys334Glu).

NM_003384.3(VRK1):c.1000A>G (p.Lys334Glu)

Gene: VRK1 (VRK serine/threonine kinase 1; plus strand). Cytogenetic location: 14q32.2.
Variant type: single nucleotide variant.
Coding change: c.1000A>G on transcript NM_003384.3 (MANE Select); coding-DNA position 1000, A replaced by G.
Protein change: p.Lys334Glu; replaces lysine 334 with glutamic acid.
Molecular consequence: missense variant.
Genome position (GRCh38, 1-based): chr14:96,860,667, A>G. VCF-style: chr14-96860667-A-G. GRCh37 (hg19) VCF-style: chr14-97327004-A-G.
Other names: short protein forms K334E.
Identifiers: ClinVar variation 999205 (VCV000999205.10), dbSNP rs1261157260, ClinGen allele CA390932178.